The following is an entry in ClinVar:

ClinVar aggregate classification (germline): Uncertain significance (1 of 4 stars; one submission).

Conditions:
Hereditary cancer-predisposing syndrome. Also called: Neoplastic Syndromes, Hereditary; Hereditary Cancer Syndrome; Hereditary neoplastic syndrome; Tumor predisposition. Identifiers: Orphanet 140162, MedGen C0027672, MeSH D009386, MONDO:0015356.

Submission:

Ambry Genetics
Classification: Uncertain significance for Hereditary cancer-predisposing syndrome. Last evaluated: 2023-04-18. Review status: criteria provided, single submitter. Criteria: Ambry Variant Classification Scheme 2023. Collection method: clinical testing. Allele origin: germline.
Comment: The p.E647D variant (also known as c.1941A>T), located in coding exon 13 of the TSC1 gene, results from an A to T substitution at nucleotide position 1941. The glutamic acid at codon 647 is replaced by aspartic acid, an amino acid with highly similar properties. This amino acid position is conserved. In addition, the in silico prediction for this alteration is inconclusive. Since supporting evidence is limited at this time, the clinical significance of this alteration remains unclear.

NM_000368.5(TSC1):c.1941A>T (p.Glu647Asp)

Gene: TSC1 (TSC complex subunit 1; minus strand). Cytogenetic location: 9q34.13.
Variant type: single nucleotide variant.
Coding change: c.1941A>T on transcript NM_000368.5 (MANE Select); coding-DNA position 1941, A replaced by T.
Protein change: p.Glu647Asp; replaces glutamic acid 647 with aspartic acid.
Molecular consequence: missense variant. On other transcripts: non-coding transcript variant (5).
Genome position (GRCh38, 1-based): chr9:132,905,637, T>A on the plus strand (A>T on the coding strand, the complement: TSC1 is on the minus strand). VCF-style: chr9-132905637-T-A. GRCh37 (hg19) VCF-style: chr9-135781024-T-A.
Other names: c.1938A>T, p.Glu646Asp (NM_001162426.2, NM_001406597.1, NM_001406598.1 and 6 more transcripts); c.1788A>T, p.Glu596Asp (NM_001162427.2, NM_001406610.1); c.1578A>T, p.Glu526Asp (NM_001362177.2, NM_001406614.1, NM_001406615.1 and 5 more transcripts); c.1941A>T, p.Glu647Asp (NM_001406592.1, NM_001406593.1, NM_001406594.1 and 7 more transcripts); c.1785A>T, p.Glu595Asp (NM_001406611.1, NM_001406612.1, NM_001406613.1); c.1575A>T, p.Glu525Asp (NM_001406620.1, NM_001406621.1, NM_001406622.1 and 2 more transcripts); c.990A>T, p.Glu330Asp (NM_001406626.1); c.987A>T, p.Glu329Asp (NM_001406627.1, NM_001406628.1); and 1 more; short protein forms E330D, E595D, E525D, E526D, E646D, E329D, E596D, E296D.
Identifiers: ClinVar variation 2562870 (VCV002562870.2), dbSNP rs2131811221, ClinGen allele CA375362524.